The following is an entry in ClinVar:

NM_001041.4(SI):c.3736A>G (p.Met1246Val)

Gene: SI (sucrase-isomaltase; minus strand). Cytogenetic location: 3q26.1.
Variant type: single nucleotide variant.
Coding change: c.3736A>G on transcript NM_001041.4 (MANE Select); coding-DNA position 3736, A replaced by G.
Protein change: p.Met1246Val; replaces methionine 1246 with valine.
Molecular consequence: missense variant.
Genome position (GRCh38, 1-based): chr3:165,017,571, T>C on the plus strand (A>G on the coding strand, the complement: SI is on the minus strand). VCF-style: chr3-165017571-T-C. GRCh37 (hg19) VCF-style: chr3-164735359-T-C.
Other names: short protein forms M1246V.
Identifiers: ClinVar variation 1372030 (VCV001372030.6), dbSNP rs753307782, ClinGen allele CA2690156.
Genomic context (GRCh38, chr3:165,017,571, plus strand): 5'-TCCATATTTAACATTGTTTTAAAATTGATATACATACATAGGGGATGTTAGCAGCCACCA[T>C]AGCGTCATATAATTCCCGAACCTCTGAAGTATTTGCATATCCATAACGACATAATTGGAA-3'
Protein context (NP_001032.2, residues 1236-1256): TSEVRELYDA[Met1246Val]VAANIPYDVQ

ClinVar aggregate classification (germline): Uncertain significance (1 of 4 stars; one submission).

Allele frequency attached by ClinVar (database versions not stated): gnomAD exomes below 0.00001; ExAC 0.00001; gnomAD 0.00001; TOPMed 0.00001.

Submission:

Labcorp Genetics (formerly Invitae), Labcorp
Classification: Uncertain significance. Last evaluated: 2025-02-10. Review status: criteria provided, single submitter. Criteria: Invitae Variant Classification Sherloc (09022015). Collection method: clinical testing. Allele origin: germline.
Comment: This sequence change replaces methionine, which is neutral and non-polar, with valine, which is neutral and non-polar, at codon 1246 of the SI protein (p.Met1246Val). This variant is present in population databases (rs753307782, gnomAD 0.0009%). This variant has not been reported in the literature in individuals affected with SI-related conditions. ClinVar contains an entry for this variant (Variation ID: 1372030). Invitae Evidence Modeling of protein sequence and biophysical properties (such as structural, functional, and spatial information, amino acid conservation, physicochemical variation, residue mobility, and thermodynamic stability) has been performed for this missense variant. However, the output from this modeling did not meet the statistical confidence thresholds required to predict the impact of this variant on SI protein function. In summary, the available evidence is currently insufficient to determine the role of this variant in disease. Therefore, it has been classified as a Variant of Uncertain Significance.